The following is an entry in ClinVar:

NM_015512.5(DNAH1):c.9394C>T (p.Arg3132Cys)

Gene: DNAH1 (dynein axonemal heavy chain 1; plus strand). Cytogenetic location: 3p21.1.
Variant type: single nucleotide variant.
Coding change: c.9394C>T on transcript NM_015512.5 (MANE Select); coding-DNA position 9394, C replaced by T.
Protein change: p.Arg3132Cys; replaces arginine 3132 with cysteine.
Molecular consequence: missense variant.
Genome position (GRCh38, 1-based): chr3:52,388,836, C>T. VCF-style: chr3-52388836-C-T. GRCh37 (hg19) VCF-style: chr3-52422852-C-T.
Other names: short protein forms R3132C.
Identifiers: ClinVar variation 5018817 (VCV005018817.2).

ClinVar aggregate classification (germline): Uncertain significance (1 of 4 stars; one submission).

Conditions:
Ciliary dyskinesia, primary, 37 (CILD37). Also called: CILIARY DYSKINESIA, PRIMARY, 37, WITH OR WITHOUT SITUS INVERSUS. Identifiers: MedGen C4539798, MONDO:0033204, OMIM 617577.
Spermatogenic failure 18. Identifiers: MedGen C4539783, MONDO:0054615, OMIM 617576.

gnomAD v4.1: 42 of 1,613,632 alleles (0.0026%); highest among the groups gnomAD compares: Non-Finnish European, 0.0025%; 1 homozygote.

Submission:

Juno Genomics, Hangzhou Juno Genomics, Inc
Classification: Uncertain significance for Spermatogenic failure 18; Ciliary dyskinesia, primary, 37. Review status: criteria provided, single submitter. Criteria: ACMG Guidelines, 2015. Collection method: clinical testing. Allele origin: germline.
Comment: Absent from controls (or at extremely low frequency if recessive) in Genome Aggregation Database.;Multiple lines of computational evidence support a deleterious effect on the gene or gene product.